The following is an entry in ClinVar:

NM_001035.3(RYR2):c.12680A>G (p.Glu4227Gly)

Genes: RYR2 (ryanodine receptor 2; plus strand), LOC126806068 (BRD4-independent group 4 enhancer GRCh37_chr1:237947411-237948610; plus strand). Cytogenetic location: 1q43.
Variant type: single nucleotide variant.
Coding change: c.12680A>G on transcript NM_001035.3 (MANE Select); coding-DNA position 12680, A replaced by G.
Protein change: p.Glu4227Gly; replaces glutamic acid 4227 with glycine.
Molecular consequence: missense variant.
Genome position (GRCh38, 1-based): chr1:237,784,392, A>G. VCF-style: chr1-237784392-A-G. GRCh37 (hg19) VCF-style: chr1-237947692-A-G.
Other names: short protein forms E4227G.
Identifiers: ClinVar variation 4800120 (VCV004800120.1).

ClinVar aggregate classification (germline): Uncertain significance (1 of 4 stars; one submission).

Conditions:
Catecholaminergic polymorphic ventricular tachycardia 1. Also called: VENTRICULAR TACHYCARDIA, STRESS-INDUCED POLYMORPHIC 1; RYR2-Related Catecholaminergic Polymorphic Ventricular Tachycardia; VENTRICULAR TACHYCARDIA, CATECHOLAMINERGIC POLYMORPHIC, 1, WITH OR WITHOUT ATRIAL DYSFUNCTION AND/OR DILATED CARDIOMYOPATHY. Identifiers: Orphanet 3286, MedGen C1631597, MONDO:0011484, OMIM 604772.

Submission:

Labcorp Genetics (formerly Invitae), Labcorp
Classification: Uncertain significance for Catecholaminergic polymorphic ventricular tachycardia 1. Last evaluated: 2025-10-14. Review status: criteria provided, single submitter. Criteria: Invitae Variant Classification Sherloc (09022015). Collection method: clinical testing. Allele origin: germline.
Comment: This sequence change replaces glutamic acid, which is acidic and polar, with glycine, which is neutral and non-polar, at codon 4227 of the RYR2 protein (p.Glu4227Gly). This variant is not present in population databases (gnomAD no frequency). This variant has not been reported in the literature in individuals affected with RYR2-related conditions. Invitae Evidence Modeling of protein sequence and biophysical properties (such as structural, functional, and spatial information, amino acid conservation, physicochemical variation, residue mobility, and thermodynamic stability) indicates that this missense variant is not expected to disrupt RYR2 protein function with a negative predictive value of 95%. In summary, the available evidence is currently insufficient to determine the role of this variant in disease. Therefore, it has been classified as a Variant of Uncertain Significance.